The following is an entry in ClinVar:

ClinVar aggregate classification (germline): Benign (1 of 4 stars; one submission).

Submission:

Mayo Clinic Laboratories, Mayo Clinic
Classification: Benign. Last evaluated: 2024-11-26. Review status: criteria provided, single submitter. Criteria: ACMG Guidelines, 2015. Collection method: clinical testing. Allele origin: germline. Observed: 1 variant allele.
Comment: BS1, BS2, BP4, BP7

NM_024496.4(IRF2BPL):c.2307G>T (p.Ser769=)

Gene: IRF2BPL (interferon regulatory factor 2 binding protein like; minus strand). Cytogenetic location: 14q24.3.
Variant type: single nucleotide variant.
Coding change: c.2307G>T on transcript NM_024496.4 (MANE Select); coding-DNA position 2307, G replaced by T.
Protein change: p.Ser769=; no amino-acid change (serine 769 retained).
Molecular consequence: synonymous variant.
Genome position (GRCh38, 1-based): chr14:77,025,486, C>A on the plus strand (G>T on the coding strand, the complement: IRF2BPL is on the minus strand). VCF-style: chr14-77025486-C-A. GRCh37 (hg19) VCF-style: chr14-77491829-C-A.
Other names: p.Ser769=.
Identifiers: ClinVar variation 4683903 (VCV004683903.1).